The following is an entry in ClinVar:

ClinVar aggregate classification (germline): Likely pathogenic (1 of 4 stars; one submission).

Conditions:
Marfan syndrome (MFS). Also called: FBN1-Related Marfan Syndrome; MARFAN SYNDROME, TYPE I; Marfan syndrome type 1; Marfan's syndrome; Marfan syndrome, classic. Identifiers: Orphanet 284963, Orphanet 558, MedGen C0024796, MONDO:0007947, OMIM 154700.

Submission:

OLLIN Analises Genomicas, OLLIN
Classification: Likely pathogenic for Marfan syndrome. Last evaluated: 2025-10-03. Review status: criteria provided, single submitter. Criteria: ACMG Guidelines 2015 PMID 25741868. Collection method: clinical testing. Allele origin: germline. Affected: yes. Observed: 1 variant allele.
Comment: The missense variant (chr15:48437000A>G), located in exon 53 (of 66), is not reported in the gnomAD v4.1 non-UKB or ClinVar databases, nor was it found in the scientific literature. This variant is in a known mutational hotspot, and in silico analysis predicts a deleterious effect on protein function. There is also a reported pathogenic variant that alters this same residue to another amino acid (c.6458G>A p.Cys2153Tyr; ClinVar ID: VCV003376406.1; PMID: 11524736, 19839986, 19161152, 17657824). According to the currently available evidence and the specific ClinGen criteria for the gene (VCEP: GN022), this variant has been classified as likely pathogenic (PM1_S, PM2_P, PP2, PP3).

Literature cited by the submitters: PubMed 11524736; PubMed 19839986; PubMed 19161152; PubMed 17657824.

NM_000138.5(FBN1):c.6457T>C (p.Cys2153Arg)

Gene: FBN1 (fibrillin 1; minus strand). Cytogenetic location: 15q21.1.
Variant type: single nucleotide variant.
Coding change: c.6457T>C on transcript NM_000138.5 (MANE Select); coding-DNA position 6457, T replaced by C.
Protein change: p.Cys2153Arg; replaces cysteine 2153 with arginine.
Molecular consequence: missense variant.
Genome position (GRCh38, 1-based): chr15:48,437,000, A>G on the plus strand (T>C on the coding strand, the complement: FBN1 is on the minus strand). VCF-style: chr15-48437000-A-G. GRCh37 (hg19) VCF-style: chr15-48729197-A-G.
Other names: c.6457T>C, p.Cys2153Arg (NM_001406716.1); short protein forms C2153R.
Identifiers: ClinVar variation 4814129 (VCV004814129.1).
Genomic context (GRCh38, chr15:48,437,000, plus strand): 5'-GGAAGAAAACTTATTACTCACCTACACATTCATTCCCTGCTAGAATATAACCAAAGGGAC[A>G]CTCGCAGCGATAGGAACCATCTGTATTGATGCACTGTCCATGTTTACAGACATCGGGTTC-3'
Protein context (NP_000129.3, residues 2143-2163): INTDGSYRCE[Cys2153Arg]PFGYILAGNE